The following is an entry in ClinVar:

ClinVar aggregate classification (germline): Uncertain significance (1 of 4 stars; one submission).

Conditions:
Familial cold autoinflammatory syndrome 2 (FCAS2). Identifiers: Orphanet 247868, MedGen C2673198, MONDO:0012724, OMIM 611762.

Allele frequency attached by ClinVar (database versions not stated): ExAC 0.00001; gnomAD exomes 0.00001; TOPMed 0.00002.
gnomAD v4.1: 4 of 1,614,154 alleles (0.00025%); highest among the groups gnomAD compares: East Asian, 0.0089%; no homozygotes.

Submission:

Labcorp Genetics (formerly Invitae), Labcorp
Classification: Uncertain significance for Familial cold autoinflammatory syndrome 2. Last evaluated: 2021-04-23. Review status: criteria provided, single submitter. Criteria: Invitae Variant Classification Sherloc (09022015). Collection method: clinical testing. Allele origin: germline.
Comment: In summary, the available evidence is currently insufficient to determine the role of this variant in disease. Therefore, it has been classified as a Variant of Uncertain Significance. Algorithms developed to predict the effect of missense changes on protein structure and function are either unavailable or do not agree on the potential impact of this missense change (SIFT: "Deleterious"; PolyPhen-2: "Probably Damaging"; Align-GVGD: "Class C0"). This variant has not been reported in the literature in individuals with NLRP12-related conditions. This variant is present in population databases (rs776191575, ExAC 0.01%). This sequence change replaces leucine with proline at codon 60 of the NLRP12 protein (p.Leu60Pro). The leucine residue is moderately conserved and there is a moderate physicochemical difference between leucine and proline.

NM_144687.4(NLRP12):c.179T>C (p.Leu60Pro)

Gene: NLRP12 (NLR family pyrin domain containing 12; minus strand). Cytogenetic location: 19q13.42.
Variant type: single nucleotide variant.
Coding change: c.179T>C on transcript NM_144687.4 (MANE Select); coding-DNA position 179, T replaced by C.
Protein change: p.Leu60Pro; replaces leucine 60 with proline.
Molecular consequence: missense variant.
Genome position (GRCh38, 1-based): chr19:53,823,996, A>G on the plus strand (T>C on the coding strand, the complement: NLRP12 is on the minus strand). VCF-style: chr19-53823996-A-G. GRCh37 (hg19) VCF-style: chr19-54327250-A-G.
Other names: c.179T>C, p.Leu60Pro (NM_001277126.2, NM_001277129.1); short protein forms L60P.
Identifiers: ClinVar variation 1441352 (VCV001441352.8), dbSNP rs776191575, ClinGen allele CA9639820.